The following is an entry in ClinVar:

NM_138459.5(NUS1):c.13T>C (p.Tyr5His)

Gene: NUS1 (NUS1 dehydrodolichyl diphosphate synthase subunit; plus strand). Cytogenetic location: 6q22.1.
Variant type: single nucleotide variant.
Coding change: c.13T>C on transcript NM_138459.5 (MANE Select); coding-DNA position 13, T replaced by C.
Protein change: p.Tyr5His; replaces tyrosine 5 with histidine.
Molecular consequence: missense variant.
Genome position (GRCh38, 1-based): chr6:117,675,683, T>C. VCF-style: chr6-117675683-T-C. GRCh37 (hg19) VCF-style: chr6-117996846-T-C.
Other names: short protein forms Y5H.
Identifiers: ClinVar variation 3694873 (VCV003694873.2).

ClinVar aggregate classification (germline): Uncertain significance (1 of 4 stars; one submission).

Conditions:
Congenital disorder of glycosylation, type Iaa. Also called: Congenital disorder of glycosylation, type 1aa. Identifiers: MedGen C4310727, MONDO:0014904, OMIM 617082.

Submission:

Labcorp Genetics (formerly Invitae), Labcorp
Classification: Uncertain significance for Congenital disorder of glycosylation, type Iaa. Last evaluated: 2024-06-15. Review status: criteria provided, single submitter. Criteria: Invitae Variant Classification Sherloc (09022015). Collection method: clinical testing. Allele origin: germline.
Comment: This sequence change replaces tyrosine, which is neutral and polar, with histidine, which is basic and polar, at codon 5 of the NUS1 protein (p.Tyr5His). This variant is not present in population databases (gnomAD no frequency). This variant has not been reported in the literature in individuals affected with NUS1-related conditions. Algorithms developed to predict the effect of missense changes on protein structure and function output the following: SIFT: "Not Available"; PolyPhen-2: "Benign"; Align-GVGD: "Not Available". The histidine amino acid residue is found in multiple mammalian species, which suggests that this missense change does not adversely affect protein function. In summary, the available evidence is currently insufficient to determine the role of this variant in disease. Therefore, it has been classified as a Variant of Uncertain Significance.